The following is an entry in ClinVar:

ClinVar aggregate classification (germline): Uncertain significance (0 of 4 stars; one submission).

Conditions:
MYH6-related disorder. Also called: MYH6-Related Disorders; MYH6-related condition.

Submission:

PreventionGenetics, part of Exact Sciences
Classification: Uncertain significance for MYH6-related condition. Last evaluated: 2024-04-02. Review status: no assertion criteria provided. Collection method: clinical testing. Allele origin: germline.
Comment: The MYH6 c.3494T>C variant is predicted to result in the amino acid substitution p.Met1165Thr. To our knowledge, this variant has not been reported in the literature or in a large population database, indicating this variant is rare. At this time, the clinical significance of this variant is uncertain due to the absence of conclusive functional and genetic evidence.

NM_002471.4(MYH6):c.3494T>C (p.Met1165Thr)

Gene: MYH6 (myosin heavy chain 6; minus strand). Cytogenetic location: 14q11.2.
Variant type: single nucleotide variant.
Coding change: c.3494T>C on transcript NM_002471.4 (MANE Select); coding-DNA position 3494, T replaced by C.
Protein change: p.Met1165Thr; replaces methionine 1165 with threonine.
Molecular consequence: missense variant.
Genome position (GRCh38, 1-based): chr14:23,390,295, A>G on the plus strand (T>C on the coding strand, the complement: MYH6 is on the minus strand). VCF-style: chr14-23390295-A-G. GRCh37 (hg19) VCF-style: chr14-23859504-A-G.
Other names: short protein forms M1165T.
Identifiers: ClinVar variation 3345166 (VCV003345166.1).
Genomic context (GRCh38, chr14:23,390,295, plus strand): 5'-AGCGTGGCCTCCTCCAGGTCCCGCCGCATCTTCTGGAACTCGGCCTCGCGCTTCTTGTTC[A>G]TCTCGATCTGCACGGACGTGGCCCCGCCGGCCTCTTCCAGCCGCTCGCTGATCTCCTCCA-3'
Protein context (NP_002462.2, residues 1155-1175): AGGATSVQIE[Met1165Thr]NKKREAEFQK